The following is an entry in ClinVar:

ClinVar aggregate classification (germline): Benign/Likely benign. Review status: criteria provided, multiple submitters, no conflicts (2 of 4 stars). 3 submissions from 3 submitters: Benign (2); Likely benign (1). Last evaluated 2025-02-07.

Conditions:
NOS2-related disorder. Also called: NOS2-related condition.

Allele frequency attached by ClinVar (database versions not stated): TOPMed 0.00357; gnomAD exomes 0.00025 and 0.00100; ExAC 0.00097; ESP Exome Variant Server 0.00215; 1000 Genomes Project 30x 0.00219; 1000 Genomes Project 0.00240; gnomAD 0.00271.
gnomAD v4.1: 823 of 1,464,598 alleles (0.056%); highest among the groups gnomAD compares: African/African-American, 1%; 2 homozygotes.

Submissions (3):

PreventionGenetics, part of Exact Sciences
Classification: Likely benign for NOS2-related condition. Last evaluated: 2025-02-07. Review status: criteria provided, single submitter. Criteria: ACMG Guidelines, 2015. Collection method: clinical testing. Allele origin: germline.
Comment: This variant is classified as likely benign based on ACMG/AMP sequence variant interpretation guidelines (Richards et al. 2015 PMID: 25741868, with internal and published modifications).

Labcorp Genetics (formerly Invitae), Labcorp
Classification: Benign. Last evaluated: 2018-07-20. Review status: criteria provided, single submitter. Criteria: Invitae Variant Classification Sherloc (09022015). Collection method: clinical testing. Allele origin: germline.

Breakthrough Genomics
Classification: Benign. Review status: criteria provided, single submitter. Criteria: ACMG Guidelines, 2015. Collection method: not provided. Allele origin: germline. Inheritance: Unknown mechanism. Affected: yes.

NM_000625.4(NOS2):c.1005-10T>C

Gene: NOS2 (nitric oxide synthase 2; minus strand). Cytogenetic location: 17q11.2.
Variant type: single nucleotide variant.
Coding change: c.1005-10T>C on transcript NM_000625.4 (MANE Select); 10 bases into the intron before coding-DNA position 1005, T replaced by C.
Molecular consequence: intron variant.
Genome position (GRCh38, 1-based): chr17:27,779,066, A>G on the plus strand (T>C on the coding strand, the complement: NOS2 is on the minus strand). VCF-style: chr17-27779066-A-G. GRCh37 (hg19) VCF-style: chr17-26106092-A-G.
Identifiers: ClinVar variation 722888 (VCV000722888.5), dbSNP rs189687047, ClinGen allele CA8454853.
Genomic context (GRCh38, chr17:27,779,066, plus strand): 5'-ACTGCAGGCAGGGCGTACCACTTTAGCTCCAGTTCCCGAAACCACTCGTATCTGGCAAAA[A>G]GGTAGACACAATTTAACTGGGGCCTTCCTTATTTTTATTTTATTATTATTTTTTTTTTAG-3'